The following is an entry in ClinVar:

NM_000136.3(FANCC):c.1060_1072+3del

Genes: AOPEP (aminopeptidase O (putative); plus strand), FANCC (FA complementation group C; minus strand). Cytogenetic location: 9q22.32.
Variant type: Deletion.
Coding change: c.1060_1072+3del on transcript NM_000136.3 (MANE Select); coding-DNA position 1060 through 3 bases into the intron after coding-DNA position 1072, 16 bases deleted (CAAGACCCTCAAGGTG).
Molecular consequence: splice donor variant.
Genome position (GRCh38, 1-based): chr9:95,117,312-95,117,327, CACCTTGAGGGTCTTG deleted on the plus strand (CAAGACCCTCAAGGTG on the coding strand, the reverse complement: FANCC is on the minus strand); deleting any 16 consecutive bases within chr9:95,117,312-95,117,329 gives the same sequence; the c. name uses the placement nearest the transcript's 3' end. VCF-style (leftmost placement, unchanged base first): chr9-95117311-TCACCTTGAGGGTCTTG-T. GRCh37 (hg19) VCF-style: chr9-97879593-TCACCTTGAGGGTCTTG-T.
Other names: c.1060_1072+3del (NM_001243743.2, NM_001243744.2).
Identifiers: ClinVar variation 4817542 (VCV004817542.1).

ClinVar aggregate classification (germline): Likely pathogenic (1 of 4 stars; one submission).

Conditions:
Fanconi anemia (FA). Also called: Fanconi's anemia. Identifiers: Orphanet 84, MedGen C0015625, MeSH D005199, MONDO:0019391.

Submission:

Natera, Inc.
Classification: Likely pathogenic for Fanconi anemia. Last evaluated: 2024-10-21. Review status: criteria provided, single submitter. Criteria: Natera Variant Classification Schema (03/2026). Collection method: clinical testing. Allele origin: germline.
Comment: The c.1060_1072+3del variant in FANCC is a frameshift variant predicted to shift the reading frame and introduce a stop codon. This variant is expected to result in nonsense mediated decay, truncation, or a dysfunctional protein product. This variant is rare in the general population with a frequency below the threshold expected for the associated phenotype(s). Given the available evidence, this variant is classified as Likely Pathogenic.